The following is an entry in ClinVar:

ClinVar aggregate classification (germline): Uncertain significance. Review status: criteria provided, multiple submitters, no conflicts (2 of 4 stars). 2 submissions from 2 submitters: Uncertain significance (2). Last evaluated 2022-12-24.

Conditions:
Breast-ovarian cancer, familial, susceptibility to, 4. Identifiers: Orphanet 145, MedGen C3280345, MONDO:0013669, OMIM 614291.
Hereditary cancer-predisposing syndrome. Also called: Neoplastic Syndromes, Hereditary; Tumor predisposition; Hereditary Cancer Syndrome; Hereditary neoplastic syndrome. Identifiers: Orphanet 140162, MedGen C0027672, MeSH D009386, MONDO:0015356.

Submissions (2):

Labcorp Genetics (formerly Invitae), Labcorp
Classification: Uncertain significance for Breast-ovarian cancer, familial, susceptibility to, 4. Last evaluated: 2022-12-24. Review status: criteria provided, single submitter. Criteria: Invitae Variant Classification Sherloc (09022015). Collection method: clinical testing. Allele origin: germline.
Comment: This sequence change replaces aspartic acid, which is acidic and polar, with glycine, which is neutral and non-polar, at codon 70 of the RAD51D protein (p.Asp70Gly). This variant is not present in population databases (gnomAD no frequency). This variant has not been reported in the literature in individuals affected with RAD51D-related conditions. ClinVar contains an entry for this variant (Variation ID: 233076). Advanced modeling of protein sequence and biophysical properties (such as structural, functional, and spatial information, amino acid conservation, physicochemical variation, residue mobility, and thermodynamic stability) has been performed at Invitae for this missense variant, however the output from this modeling did not meet the statistical confidence thresholds required to predict the impact of this variant on RAD51D protein function. In summary, the available evidence is currently insufficient to determine the role of this variant in disease. Therefore, it has been classified as a Variant of Uncertain Significance.

Ambry Genetics
Classification: Uncertain significance for Hereditary cancer-predisposing syndrome. Last evaluated: 2022-01-25. Review status: criteria provided, single submitter. Criteria: Ambry Variant Classification Scheme 2023. Collection method: clinical testing. Allele origin: germline.
Comment: The p.D70G variant (also known as c.209A>G), located in coding exon 3 of the RAD51D gene, results from an A to G substitution at nucleotide position 209. The aspartic acid at codon 70 is replaced by glycine, an amino acid with similar properties. This amino acid position is highly conserved in available vertebrate species. In addition, this alteration is predicted to be deleterious by in silico analysis. Since supporting evidence is limited at this time, the clinical significance of this alteration remains unclear.

NM_002878.4(RAD51D):c.209A>G (p.Asp70Gly)

Genes: RAD51D (RAD51 paralog D; minus strand), RAD51L3-RFFL (RAD51L3-RFFL readthrough; minus strand). Cytogenetic location: 17q12.
Variant type: single nucleotide variant.
Coding change: c.209A>G on transcript NM_002878.4 (MANE Select); coding-DNA position 209, A replaced by G.
Protein change: p.Asp70Gly; replaces aspartic acid 70 with glycine.
Molecular consequence: missense variant. On other transcripts: intron variant (2).
Genome position (GRCh38, 1-based): chr17:35,118,555, T>C on the plus strand (A>G on the coding strand, the complement: RAD51D is on the minus strand). VCF-style: chr17-35118555-T-C. GRCh37 (hg19) VCF-style: chr17-33445574-T-C.
Other names: c.144+556A>G (NM_133629.3, NM_001142571.2); short protein forms D70G.
Identifiers: ClinVar variation 233076 (VCV000233076.10), dbSNP rs876660173, ClinGen allele CA10580468.